The following is an entry in ClinVar:

ClinVar aggregate classification (germline): Uncertain significance (1 of 4 stars; one submission).

gnomAD v4.1: 73 of 1,603,384 alleles (0.0046%); highest among the groups gnomAD compares: Admixed American, 0.12%; no homozygotes.

Submission:

Women's Health and Genetics/Laboratory Corporation of America, LabCorp
Classification: Uncertain significance. Last evaluated: 2025-12-17. Review status: criteria provided, single submitter. Criteria: LabCorp Variant Classification Summary - May 2015. Collection method: clinical testing. Allele origin: germline.
Comment: Variant summary: ABCA7 c.4166A>G (p.Asp1389Gly) results in a non-conservative amino acid change in the encoded protein sequence. Algorithms developed to predict the effect of missense changes on protein structure and function all suggest that this variant is likely to be disruptive. The variant allele was found at a frequency of 0.00026 in 229096 control chromosomes. This frequency is not significantly higher than estimated for disease-causing variants in ABCA7, allowing no conclusion about variant significance. To our knowledge, no occurrence of c.4166A>G in individuals affected with ABCA7-related conditions and no experimental evidence demonstrating its impact on protein function have been reported. No submitters have cited clinical-significance assessments for this variant to ClinVar. Based on the evidence outlined above, the variant was classified as uncertain significance.

NM_019112.4(ABCA7):c.4166A>G (p.Asp1389Gly)

Gene: ABCA7 (ATP binding cassette subfamily A member 7; plus strand). Cytogenetic location: 19p13.3.
Variant type: single nucleotide variant.
Coding change: c.4166A>G on transcript NM_019112.4 (MANE Select); coding-DNA position 4166, A replaced by G.
Protein change: p.Asp1389Gly; replaces aspartic acid 1389 with glycine.
Molecular consequence: missense variant.
Genome position (GRCh38, 1-based): chr19:1,055,312, A>G. VCF-style: chr19-1055312-A-G. GRCh37 (hg19) VCF-style: chr19-1055311-A-G.
Other names: short protein forms D1389G.
Identifiers: ClinVar variation 4688250 (VCV004688250.1).
Genomic context (GRCh38, chr19:1,055,312, plus strand): 5'-CCCAGGCAGTGACCGGCTCTGGGGAAGTGGTTCAGAACCTGACAGGCCGGAACCTGTCTG[A>G]CTTCCTGGTCAAGACCTACCCGCGCCTGGTGCGCCAGGGGTGAGCCATGCCCTGGGACTC-3'
Protein context (NP_061985.2, residues 1379-1399): VQNLTGRNLS[Asp1389Gly]FLVKTYPRLV